The following is an entry in ClinVar:

NM_001384732.1(CPLANE1):c.2290A>C (p.Arg764=)

Gene: CPLANE1 (ciliogenesis and planar polarity effector complex subunit 1; minus strand). Cytogenetic location: 5p13.2.
Variant type: single nucleotide variant.
Coding change: c.2290A>C on transcript NM_001384732.1 (MANE Select); coding-DNA position 2290, A replaced by C.
Protein change: p.Arg764=; no amino-acid change (arginine 764 retained).
Molecular consequence: synonymous variant.
Genome position (GRCh38, 1-based): chr5:37,226,305, T>G on the plus strand (A>C on the coding strand, the complement: CPLANE1 is on the minus strand). VCF-style: chr5-37226305-T-G. GRCh37 (hg19) VCF-style: chr5-37226407-T-G.
Other names: c.2290A>C, p.Arg764= (NM_023073.4); c.2290A>C (NM_023073.3).
Identifiers: ClinVar variation 1444766 (VCV001444766.7), dbSNP rs1580891168, ClinGen allele CA443917292.

ClinVar aggregate classification (germline): Uncertain significance. Review status: criteria provided, multiple submitters, no conflicts (2 of 4 stars). 2 submissions from 2 submitters: Uncertain significance (2). Last evaluated 2024-05-01.

Conditions:
Orofaciodigital syndrome type 6 (OFD6). Also called: OROFACIODIGITAL SYNDROME VI; OFDS VI; POLYDACTYLY, CLEFT LIP/PALATE OR LINGUAL LUMP, AND PSYCHOMOTOR RETARDATION; VARADI SYNDROME; VARADI-PAPP SYNDROME; Oral-facial-digital syndrome type 6. Identifiers: Orphanet 2754, MedGen C2745997, MONDO:0010176, OMIM 277170.
Joubert syndrome 17 (JBTS17). Identifiers: Orphanet 475, MedGen C3553264, MONDO:0013824, OMIM 614615.

Allele frequency attached by ClinVar (database versions not stated): gnomAD exomes below 0.00001.
gnomAD v4.1: 3 of 1,497,136 alleles (0.0002%); highest among the groups gnomAD compares: Non-Finnish European, 0.00027%; no homozygotes.

Submissions (2):

Fulgent Genetics
Classification: Uncertain significance for Orofaciodigital syndrome type 6; Joubert syndrome 17. Last evaluated: 2024-05-01. Review status: criteria provided, single submitter. Criteria: ACMG Guidelines, 2015. Collection method: clinical testing. Allele origin: germline.

Labcorp Genetics (formerly Invitae), Labcorp
Classification: Uncertain significance. Last evaluated: 2021-08-18. Review status: criteria provided, single submitter. Criteria: Invitae Variant Classification Sherloc (09022015). Collection method: clinical testing. Allele origin: germline.
Comment: This variant has not been reported in the literature in individuals affected with CPLANE1-related conditions. In summary, the available evidence is currently insufficient to determine the role of this variant in disease. Therefore, it has been classified as a Variant of Uncertain Significance. Algorithms developed to predict the effect of sequence changes on RNA splicing suggest that this variant may disrupt the consensus splice site. The frequency data for this variant in the population databases is considered unreliable, as metrics indicate insufficient coverage at this position in the ExAC database. This sequence change affects codon 764 of the CPLANE1 mRNA. It is a 'silent' change, meaning that it does not change the encoded amino acid sequence of the CPLANE1 protein. It affects a nucleotide within the consensus splice site of the intron.